The following is an entry in ClinVar:

ClinVar aggregate classification (germline): Uncertain significance (1 of 4 stars; one submission).

Conditions:
Epilepsy, familial adult myoclonic, 5 (EPEO5). Also called: CORTICAL MYOCLONIC TREMOR WITH EPILEPSY, FAMILIAL, 5. Identifiers: Orphanet 86814, MedGen C3809374, MONDO:0014167, OMIM 615400.

Allele frequency attached by ClinVar (database versions not stated): gnomAD exomes below 0.00001; TOPMed below 0.00001.
gnomAD v4.1: 6 of 1,614,112 alleles (0.00037%); highest among the groups gnomAD compares: African/African-American, 0.0013%; no homozygotes.

Submission:

Labcorp Genetics (formerly Invitae), Labcorp
Classification: Uncertain significance for Epilepsy, familial adult myoclonic, 5. Last evaluated: 2023-03-04. Review status: criteria provided, single submitter. Criteria: Invitae Variant Classification Sherloc (09022015). Collection method: clinical testing. Allele origin: germline.
Comment: This sequence change replaces arginine, which is basic and polar, with glutamine, which is neutral and polar, at codon 684 of the CNTN2 protein (p.Arg684Gln). This variant is present in population databases (no rsID available, gnomAD 0.003%). This variant has not been reported in the literature in individuals affected with CNTN2-related conditions. Advanced modeling of protein sequence and biophysical properties (such as structural, functional, and spatial information, amino acid conservation, physicochemical variation, residue mobility, and thermodynamic stability) performed at Invitae indicates that this missense variant is not expected to disrupt CNTN2 protein function. In summary, the available evidence is currently insufficient to determine the role of this variant in disease. Therefore, it has been classified as a Variant of Uncertain Significance.

NM_005076.5(CNTN2):c.2051G>A (p.Arg684Gln)

Gene: CNTN2 (contactin 2; plus strand). Cytogenetic location: 1q32.1.
Variant type: single nucleotide variant.
Coding change: c.2051G>A on transcript NM_005076.5 (MANE Select); coding-DNA position 2051, G replaced by A.
Protein change: p.Arg684Gln; replaces arginine 684 with glutamine.
Molecular consequence: missense variant. On other transcripts: non-coding transcript variant (1).
Genome position (GRCh38, 1-based): chr1:205,067,176, G>A. VCF-style: chr1-205067176-G-A. GRCh37 (hg19) VCF-style: chr1-205036304-G-A.
Other names: c.2051G>A, p.Arg684Gln (NM_001346083.2); short protein forms R684Q.
Identifiers: ClinVar variation 2899676 (VCV002899676.3), dbSNP rs1176220872, ClinGen allele CA344376896.
Genomic context (GRCh38, chr1:205,067,176, plus strand): 5'-AGGGCAATGCCGAGACTGCACAGGTGCTGGGCCTCACCCCCTGGATGGACTATGAGTTCC[G>A]GGTCATAGCCAGCAACATTCTGGGCACTGGGGAGCCTAGTGGGCCCTCCAGCAAAATCCG-3'
Protein context (NP_005067.1, residues 674-694): GLTPWMDYEF[Arg684Gln]VIASNILGTG